The following is an entry in ClinVar:

NM_024915.4(GRHL2):c.26A>G (p.Lys9Arg)

Gene: GRHL2 (grainyhead like transcription factor 2; plus strand). Cytogenetic location: 8q22.3.
Variant type: single nucleotide variant.
Coding change: c.26A>G on transcript NM_024915.4 (MANE Select); coding-DNA position 26, A replaced by G.
Protein change: p.Lys9Arg; replaces lysine 9 with arginine.
Molecular consequence: missense variant. On other transcripts: 5 prime UTR variant (1).
Genome position (GRCh38, 1-based): chr8:101,543,246, A>G. VCF-style: chr8-101543246-A-G. GRCh37 (hg19) VCF-style: chr8-102555474-A-G.
Other names: c.-23A>G (NM_001330593.2); short protein forms K9R.
Identifiers: ClinVar variation 46218 (VCV000046218.29), dbSNP rs3735709, ClinGen allele CA137895.

ClinVar aggregate classification (germline): Benign. Review status: criteria provided, multiple submitters, no conflicts (2 of 4 stars). 8 submissions from 8 submitters: Benign (8). Last evaluated 2026-02-01.

Allele frequency attached by ClinVar (database versions not stated): TOPMed 0.01843; ESP Exome Variant Server 0.01938; gnomAD 0.02044 and 0.02090; 1000 Genomes Project 30x 0.02264; 1000 Genomes Project 0.02456; ExAC 0.02512; gnomAD exomes 0.02575.
gnomAD v4.1: 41,550 of 1,613,508 alleles (2.6%); highest among the groups gnomAD compares: East Asian, 5.8%; 688 homozygotes.

Submissions (31):

Labcorp Genetics (formerly Invitae), Labcorp
Classification: Benign. Last evaluated: 2026-02-01. Review status: criteria provided, single submitter. Criteria: Invitae Variant Classification Sherloc (09022015). Collection method: clinical testing. Allele origin: germline.

ARUP Laboratories, Molecular Genetics and Genomics, ARUP Laboratories
Classification: Benign. Last evaluated: 2023-11-03. Review status: criteria provided, single submitter. Criteria: ARUP Molecular Germline Variant Investigation Process 2024. Collection method: clinical testing. Allele origin: germline.

Mayo Clinic Laboratories, Mayo Clinic
Classification: Benign. Last evaluated: 2022-04-17. Review status: criteria provided, single submitter. Criteria: ACMG Guidelines, 2015. Collection method: clinical testing. Allele origin: germline. Observed: 5 variant alleles.

Athena Diagnostics
Classification: Benign. Last evaluated: 2018-11-16. Review status: criteria provided, single submitter. Criteria: Athena Diagnostics Criteria. Collection method: clinical testing. Allele origin: germline.

GeneDx
Classification: Benign. Last evaluated: 2017-05-09. Review status: criteria provided, single submitter. Criteria: GeneDx Variant Classification (06012015). Collection method: clinical testing. Allele origin: germline. Affected: yes.
Comment: This variant is considered likely benign or benign based on one or more of the following criteria: it is a conservative change, it occurs at a poorly conserved position in the protein, it is predicted to be benign by multiple in silico algorithms, and/or has population frequency not consistent with disease.

Laboratory for Molecular Medicine, Mass General Brigham Personalized Medicine
Classification: Benign. Last evaluated: 2012-05-07. Review status: criteria provided, single submitter. Criteria: LMM Criteria. Collection method: clinical testing. Allele origin: germline. Observed: 69 variant alleles.
Comment: Lys9Arg in Exon 02 of GRHL2: This variant is not expected to have clinical signi ficance because it has been identified in 2.8% (194/7020) of European American c hromosomes from a broad population by the NHLBI Exome Sequencing Project (dbSNP rs3735709).

Breakthrough Genomics
Classification: Benign. Review status: criteria provided, single submitter. Criteria: ACMG Guidelines, 2015. Collection method: not provided. Allele origin: germline. Inheritance: Autosomal recessive inheritance. Affected: yes.

PreventionGenetics, part of Exact Sciences
Classification: Benign. Review status: criteria provided, single submitter. Criteria: ACMG Guidelines, 2015. Collection method: clinical testing. Allele origin: germline.

Dr. Peter K. Rogan Lab, Western University
No classification provided (evidence only). Condition: Lung cancer. Review status: no classification provided. Collection method: in vitro. Allele origin: not applicable. Functional consequence: retained intron. Not counted in ClinVar's aggregate classification.

Dr. Peter K. Rogan Lab, Western University
No classification provided (evidence only). Condition: Lung cancer. Review status: no classification provided. Collection method: in vitro. Allele origin: not applicable. Functional consequence: retained intron. Not counted in ClinVar's aggregate classification.

Dr. Peter K. Rogan Lab, Western University
No classification provided (evidence only). Condition: Melanoma. Review status: no classification provided. Collection method: in vitro. Allele origin: not applicable. Functional consequence: retained intron. Not counted in ClinVar's aggregate classification.

Dr. Peter K. Rogan Lab, Western University
No classification provided (evidence only). Condition: Colorectal cancer. Review status: no classification provided. Collection method: in vitro. Allele origin: not applicable. Functional consequence: retained intron. Not counted in ClinVar's aggregate classification.

Dr. Peter K. Rogan Lab, Western University
No classification provided (evidence only). Condition: Thyroid cancer, nonmedullary, 1. Review status: no classification provided. Collection method: in vitro. Allele origin: not applicable. Functional consequence: retained intron. Not counted in ClinVar's aggregate classification.

Dr. Peter K. Rogan Lab, Western University
No classification provided (evidence only). Condition: Thyroid cancer, nonmedullary, 1. Review status: no classification provided. Collection method: in vitro. Allele origin: not applicable. Functional consequence: retained intron. Not counted in ClinVar's aggregate classification.

Dr. Peter K. Rogan Lab, Western University
No classification provided (evidence only). Condition: Sarcoma. Review status: no classification provided. Collection method: in vitro. Allele origin: not applicable. Functional consequence: retained intron. Not counted in ClinVar's aggregate classification.

Dr. Peter K. Rogan Lab, Western University
No classification provided (evidence only). Condition: Hepatocellular carcinoma. Review status: no classification provided. Collection method: in vitro. Allele origin: not applicable. Functional consequence: retained intron. Not counted in ClinVar's aggregate classification.

Dr. Peter K. Rogan Lab, Western University
No classification provided (evidence only). Condition: Thymoma. Review status: no classification provided. Collection method: in vitro. Allele origin: not applicable. Functional consequence: retained intron. Not counted in ClinVar's aggregate classification.

Dr. Peter K. Rogan Lab, Western University
No classification provided (evidence only). Condition: Cholangiocarcinoma. Review status: no classification provided. Collection method: in vitro. Allele origin: not applicable. Functional consequence: retained intron. Not counted in ClinVar's aggregate classification.

Dr. Peter K. Rogan Lab, Western University
No classification provided (evidence only). Condition: Ovarian serous cystadenocarcinoma. Review status: no classification provided. Collection method: in vitro. Allele origin: not applicable. Functional consequence: retained intron. Not counted in ClinVar's aggregate classification.

Dr. Peter K. Rogan Lab, Western University
No classification provided (evidence only). Condition: Ovarian serous cystadenocarcinoma. Review status: no classification provided. Collection method: in vitro. Allele origin: not applicable. Functional consequence: retained intron. Not counted in ClinVar's aggregate classification.

Dr. Peter K. Rogan Lab, Western University
No classification provided (evidence only). Condition: Ovarian serous cystadenocarcinoma. Review status: no classification provided. Collection method: in vitro. Allele origin: not applicable. Functional consequence: retained intron. Not counted in ClinVar's aggregate classification.

Dr. Peter K. Rogan Lab, Western University
No classification provided (evidence only). Condition: Ovarian serous cystadenocarcinoma. Review status: no classification provided. Collection method: in vitro. Allele origin: not applicable. Functional consequence: retained intron. Not counted in ClinVar's aggregate classification.

Dr. Peter K. Rogan Lab, Western University
No classification provided (evidence only). Condition: Ovarian serous cystadenocarcinoma. Review status: no classification provided. Collection method: in vitro. Allele origin: not applicable. Functional consequence: retained intron. Not counted in ClinVar's aggregate classification.

Dr. Peter K. Rogan Lab, Western University
No classification provided (evidence only). Condition: Ovarian serous cystadenocarcinoma. Review status: no classification provided. Collection method: in vitro. Allele origin: not applicable. Functional consequence: retained intron. Not counted in ClinVar's aggregate classification.

Dr. Peter K. Rogan Lab, Western University
No classification provided (evidence only). Condition: Ovarian serous cystadenocarcinoma. Review status: no classification provided. Collection method: in vitro. Allele origin: not applicable. Functional consequence: retained intron. Not counted in ClinVar's aggregate classification.

Dr. Peter K. Rogan Lab, Western University
No classification provided (evidence only). Condition: Malignant tumor of esophagus. Review status: no classification provided. Collection method: in vitro. Allele origin: not applicable. Functional consequence: retained intron. Not counted in ClinVar's aggregate classification.

Dr. Peter K. Rogan Lab, Western University
No classification provided (evidence only). Condition: Malignant tumor of esophagus. Review status: no classification provided. Collection method: in vitro. Allele origin: not applicable. Functional consequence: retained intron. Not counted in ClinVar's aggregate classification.

Dr. Peter K. Rogan Lab, Western University
No classification provided (evidence only). Condition: Malignant tumor of esophagus. Review status: no classification provided. Collection method: in vitro. Allele origin: not applicable. Functional consequence: retained intron. Not counted in ClinVar's aggregate classification.

Dr. Peter K. Rogan Lab, Western University
No classification provided (evidence only). Condition: Malignant tumor of esophagus. Review status: no classification provided. Collection method: in vitro. Allele origin: not applicable. Functional consequence: retained intron. Not counted in ClinVar's aggregate classification.

Dr. Peter K. Rogan Lab, Western University
No classification provided (evidence only). Condition: Malignant tumor of esophagus. Review status: no classification provided. Collection method: in vitro. Allele origin: not applicable. Functional consequence: retained intron. Not counted in ClinVar's aggregate classification.

Dr. Peter K. Rogan Lab, Western University
No classification provided (evidence only). Condition: Malignant tumor of esophagus. Review status: no classification provided. Collection method: in vitro. Allele origin: not applicable. Functional consequence: retained intron. Not counted in ClinVar's aggregate classification.